The following is an entry in ClinVar:

ClinVar aggregate classification (germline): Uncertain significance. Review status: criteria provided, multiple submitters, no conflicts (2 of 4 stars). 4 submissions from 4 submitters: Uncertain significance (4). Last evaluated 2026-02-18.

Conditions:
Familial isolated arrhythmogenic right ventricular dysplasia. Identifiers: Orphanet 217656, MedGen C4274968, MONDO:0016342.
Cardiovascular phenotype. Identifiers: MedGen CN230736.
Cardiomyopathy (CMYO). Also called: Cardiomyopathies. Identifiers: Orphanet 167848, MedGen C0878544, MONDO:0004994, HP:0001638. Inheritance: Various modes of inheritance.

Allele frequency attached by ClinVar (database versions not stated): gnomAD exomes below 0.00001; TOPMed below 0.00001; gnomAD 0.00001.

Submissions (4):

GeneDx
Classification: Uncertain significance. Last evaluated: 2026-02-18. Review status: criteria provided, single submitter. Criteria: GeneDx Variant Classification Process June 2021. Collection method: clinical testing. Allele origin: germline.
Comment: Not observed at significant frequency in large population cohorts (gnomAD); In silico analysis supports that this missense variant has a deleterious effect on protein structure/function; Has not been previously published as pathogenic or benign to our knowledge

All of Us Research Program, National Institutes of Health
Classification: Uncertain significance for Familial isolated arrhythmogenic right ventricular dysplasia. Last evaluated: 2024-03-24. Review status: criteria provided, single submitter. Criteria: ACMG Guidelines, 2015. Collection method: clinical testing. Allele origin: germline. Inheritance: Autosomal dominant inheritance. Observed: 1 variant allele, 1 heterozygote.
Comment: Variant of Uncertain Significance due to insufficient evidence: This missense variant is located in the extracellular cadherin domain 2 of the DSC2 protein. Computational prediction tools and conservation analyses are inconclusive regarding the impact of this variant on the protein function. Computational splicing tools suggest that this variant may not impact RNA splicing. To our knowledge, functional assays have not been performed for this variant nor has this variant been reported in individuals affected with cardiovascular disorders in the literature. This variant has been identified in 1/245262 chromosomes in the general population by the Genome Aggregation Database (gnomAD). Available evidence is insufficient to determine the pathogenicity of this variant conclusively.

This study involves interpretation of variants in research participants for the purpose of population health screening. Participant phenotype was not available at the time of variant classification. Additional details can be found in publication PMID: 35346344, PMCID: PMC8962531

Color Diagnostics, LLC DBA Color Health
Classification: Uncertain significance for Cardiomyopathy. Last evaluated: 2023-12-04. Review status: criteria provided, single submitter. Criteria: ACMG Guidelines, 2015. Collection method: clinical testing. Allele origin: germline.
Comment: Variant of Uncertain Significance due to insufficient evidence: This missense variant is located in the extracellular cadherin domain 2 of the DSC2 protein. Computational prediction tools and conservation analyses are inconclusive regarding the impact of this variant on the protein function. Computational splicing tools suggest that this variant may not impact RNA splicing. To our knowledge, functional assays have not been performed for this variant nor has this variant been reported in individuals affected with cardiovascular disorders in the literature. This variant has been identified in 1/245262 chromosomes in the general population by the Genome Aggregation Database (gnomAD). Available evidence is insufficient to determine the pathogenicity of this variant conclusively.

Ambry Genetics
Classification: Uncertain significance for Cardiovascular phenotype. Last evaluated: 2021-07-07. Review status: criteria provided, single submitter. Criteria: Ambry Variant Classification Scheme 2023. Collection method: clinical testing. Allele origin: germline.
Comment: The p.R257G variant (also known as c.769A>G), located in coding exon 6 of the DSC2 gene, results from an A to G substitution at nucleotide position 769. The arginine at codon 257 is replaced by glycine, an amino acid with dissimilar properties. This amino acid position is conserved. In addition, this alteration is predicted to be tolerated by in silico analysis. Since supporting evidence is limited at this time, the clinical significance of this alteration remains unclear.

NM_024422.6(DSC2):c.769A>G (p.Arg257Gly)

Gene: DSC2 (desmocollin 2; minus strand). Cytogenetic location: 18q12.1.
Variant type: single nucleotide variant.
Coding change: c.769A>G on transcript NM_024422.6 (MANE Select); coding-DNA position 769, A replaced by G.
Protein change: p.Arg257Gly; replaces arginine 257 with glycine.
Molecular consequence: missense variant.
Genome position (GRCh38, 1-based): chr18:31,087,675, T>C on the plus strand (A>G on the coding strand, the complement: DSC2 is on the minus strand). VCF-style: chr18-31087675-T-C. GRCh37 (hg19) VCF-style: chr18-28667638-T-C.
Other names: c.769A>G, p.Arg257Gly (NM_004949.5); short protein forms R257G.
Identifiers: ClinVar variation 927299 (VCV000927299.9), dbSNP rs1253861748, ClinGen allele CA402112618.
Genomic context (GRCh38, chr18:31,087,675, plus strand): 5'-TGTATGAATTGAAACACAGTTAATTTGCCATATATTGTTTAAGGAGGTACTCACCCACTC[T>C]GCAATTTTCAAAAATTGTAAAAGTATAAGTTTCTTCTGTAAAAATTGGGTAGTTATCATT-3'
Protein context (NP_077740.1, residues 247-267): TYTFTIFENC[Arg257Gly]VGTTVGQVCA